The following is an entry in ClinVar:

ClinVar aggregate classification (germline): Uncertain significance. Review status: criteria provided, multiple submitters, no conflicts (2 of 4 stars). 2 submissions from 2 submitters: Uncertain significance (2). Last evaluated 2026-01-20.

Conditions:
Aortic valve disease 2 (AOVD2). Identifiers: MedGen C3542024, MONDO:0013902, OMIM 614823.
Inborn genetic diseases. Identifiers: MedGen C0950123, MeSH D030342.

Allele frequency attached by ClinVar (database versions not stated): gnomAD 0.00001; TOPMed 0.00001; gnomAD exomes 0.00002.
gnomAD v4.1: 31 of 1,380,464 alleles (0.0022%); highest among the groups gnomAD compares: Non-Finnish European, 0.0026%; no homozygotes.

Submissions (2):

Labcorp Genetics (formerly Invitae), Labcorp
Classification: Uncertain significance for Aortic valve disease 2. Last evaluated: 2026-01-20. Review status: criteria provided, single submitter. Criteria: Invitae Variant Classification Sherloc (09022015). Collection method: clinical testing. Allele origin: germline.
Comment: This sequence change replaces arginine, which is basic and polar, with cysteine, which is neutral and slightly polar, at codon 162 of the SMAD6 protein (p.Arg162Cys). This variant is present in population databases (no rsID available, gnomAD 0.007%). This variant has not been reported in the literature in individuals affected with SMAD6-related conditions. ClinVar contains an entry for this variant (Variation ID: 1346673). Invitae Evidence Modeling of protein sequence and biophysical properties (such as structural, functional, and spatial information, amino acid conservation, physicochemical variation, residue mobility, and thermodynamic stability) indicates that this missense variant is not expected to disrupt SMAD6 protein function with a negative predictive value of 80%. In summary, the available evidence is currently insufficient to determine the role of this variant in disease. Therefore, it has been classified as a Variant of Uncertain Significance.

Ambry Genetics
Classification: Uncertain significance for Inborn genetic diseases. Last evaluated: 2025-05-07. Review status: criteria provided, single submitter. Criteria: Ambry Variant Classification Scheme 2023. Collection method: clinical testing. Allele origin: germline.

NM_005585.5(SMAD6):c.484C>T (p.Arg162Cys)

Gene: SMAD6 (SMAD family member 6; plus strand). Cytogenetic location: 15q22.31.
Variant type: single nucleotide variant.
Coding change: c.484C>T on transcript NM_005585.5 (MANE Select); coding-DNA position 484, C replaced by T.
Protein change: p.Arg162Cys; replaces arginine 162 with cysteine.
Molecular consequence: missense variant. On other transcripts: non-coding transcript variant (1).
Genome position (GRCh38, 1-based): chr15:66,703,742, C>T. VCF-style: chr15-66703742-C-T. GRCh37 (hg19) VCF-style: chr15-66996080-C-T.
Other names: c.484C>T (NM_005585.4); short protein forms R162C.
Identifiers: ClinVar variation 1346673 (VCV001346673.10), dbSNP rs1337307419, ClinGen allele CA392949643.